The following is an entry in ClinVar:

ClinVar aggregate classification (germline): Uncertain significance (1 of 4 stars; one submission).

Conditions:
Neuronopathy, distal hereditary motor, autosomal recessive 5. Also called: Spinal muscular atrophy, distal, autosomal recessive, 5; NEUROPATHY, DISTAL HEREDITARY MOTOR, AUTOSOMAL RECESSIVE 5; Young adult-onset distal hereditary motor neuropathy. Identifiers: Orphanet 314485, Orphanet 443950, MedGen C4749918, MONDO:0013947, OMIM 614881.

Submission:

Labcorp Genetics (formerly Invitae), Labcorp
Classification: Uncertain significance for Neuronopathy, distal hereditary motor, autosomal recessive 5. Last evaluated: 2021-08-26. Review status: criteria provided, single submitter. Criteria: Invitae Variant Classification Sherloc (09022015). Collection method: clinical testing. Allele origin: germline.
Comment: This variant, c.638_649dup, results in the insertion of 4 amino acid(s) to the DNAJB2 protein (p.Ala213_Leu216dup), but otherwise preserves the integrity of the reading frame. This variant is not present in population databases (ExAC no frequency). This variant has not been reported in the literature in individuals affected with DNAJB2-related conditions. Experimental studies and prediction algorithms are not available or were not evaluated, and the functional significance of this variant is currently unknown. In summary, the available evidence is currently insufficient to determine the role of this variant in disease. Therefore, it has been classified as a Variant of Uncertain Significance.

NM_006736.6(DNAJB2):c.638_649dup (p.Ala213_Leu216dup)

Gene: DNAJB2 (DnaJ heat shock protein family (Hsp40) member B2; plus strand). Cytogenetic location: 2q35.
Variant type: Duplication.
Coding change: c.638_649dup on transcript NM_006736.6 (MANE Select); coding-DNA positions 638 to 649, 12 bases duplicated (CACTGGGCTTGG).
Protein change: p.Ala213_Leu216dup.
Molecular consequence: inframe insertion.
Genome position (GRCh38, 1-based): chr2:219,284,650-219,284,661, CACTGGGCTTGG duplicated; duplicating any 12 consecutive bases within chr2:219,284,647-219,284,661 gives the same sequence; the c. name uses the placement nearest the transcript's 3' end. VCF-style (leftmost placement, unchanged base first): chr2-219284646-C-CTGGCACTGGGCT. GRCh37 (hg19) VCF-style: chr2-220149368-C-CTGGCACTGGGCT.
Other names: c.638_649dup, p.Ala213_Leu216dup (NM_001039550.2).
Identifiers: ClinVar variation 1498018 (VCV001498018.5), dbSNP rs1016678138, ClinGen allele CA65960910.